The following is an entry in ClinVar:

NM_004369.4(COL6A3):c.6408+91C>T

Gene: COL6A3 (collagen type VI alpha 3 chain; minus strand). Cytogenetic location: 2q37.3.
Variant type: single nucleotide variant.
Coding change: c.6408+91C>T on transcript NM_004369.4 (MANE Select); 91 bases into the intron after coding-DNA position 6408, C replaced by T.
Molecular consequence: intron variant.
Genome position (GRCh38, 1-based): chr2:237,358,944, G>A on the plus strand (C>T on the coding strand, the complement: COL6A3 is on the minus strand). VCF-style: chr2-237358944-G-A. GRCh37 (hg19) VCF-style: chr2-238267587-G-A.
Other names: c.4587+91C>T (NM_057166.5); c.5790+91C>T (NM_057167.4).
Identifiers: ClinVar variation 678227 (VCV000678227.2), dbSNP rs59437067, ClinGen allele CA11242126.
Genomic context (GRCh38, chr2:237,358,944, plus strand): 5'-GAGGGGATGTAATGGGTGCACTCACAGGGGAGGTCAGGGAAGGCTGCCTGGAGGAAGCGG[G>A]CTTGATGTATATGAGGAAAGAAAATAACTATTCCCTAAATGAAATGTTGATATTCTTTCC-3'

ClinVar aggregate classification (germline): Benign. Review status: criteria provided, multiple submitters, no conflicts (2 of 4 stars). 2 submissions from 2 submitters: Benign (2). Last evaluated 2018-06-16.

Allele frequency attached by ClinVar (database versions not stated): TOPMed 0.08497; 1000 Genomes Project 0.09245; 1000 Genomes Project 30x 0.09728.
gnomAD v4.1: 23,432 of 1,443,764 alleles (1.6%); highest among the groups gnomAD compares: African/African-American, 27%; 2,641 homozygotes.

Submissions (2):

GeneDx
Classification: Benign. Last evaluated: 2018-06-16. Review status: criteria provided, single submitter. Criteria: GeneDx Variant Classification (06012015). Collection method: clinical testing. Allele origin: germline. Affected: yes.
Comment: This variant is considered likely benign or benign based on one or more of the following criteria: it is a conservative change, it occurs at a poorly conserved position in the protein, it is predicted to be benign by multiple in silico algorithms, and/or has population frequency not consistent with disease.

Breakthrough Genomics
Classification: Benign. Review status: criteria provided, single submitter. Criteria: ACMG Guidelines, 2015. Collection method: not provided. Allele origin: germline. Inheritance: Autosomal recessive inheritance. Affected: yes.